The following is an entry in ClinVar:

ClinVar aggregate classification (germline): Pathogenic (1 of 4 stars; one submission).

Conditions:
DICER1-related tumor predisposition. Also called: DICER1 syndrome; DICER1-related pleuropulmonary blastoma cancer predisposition syndrome. Identifiers: Orphanet 284343, MedGen C3839822, MONDO:0100216.

Submission:

Labcorp Genetics (formerly Invitae), Labcorp
Classification: Pathogenic for DICER1-related tumor predisposition. Last evaluated: 2023-08-04. Review status: criteria provided, single submitter. Criteria: Invitae Variant Classification Sherloc (09022015). Collection method: clinical testing. Allele origin: germline.
Comment: This variant is not present in population databases (gnomAD no frequency). This sequence change creates a premature translational stop signal (p.Gln1447*) in the DICER1 gene. It is expected to result in an absent or disrupted protein product. Loss-of-function variants in DICER1 are known to be pathogenic (PMID: 19556464, 21266384). For these reasons, this variant has been classified as Pathogenic. This variant has not been reported in the literature in individuals affected with DICER1-related conditions.

Literature cited by the submitters: PubMed 19556464; PubMed 21266384.

NM_177438.3(DICER1):c.4339C>T (p.Gln1447Ter)

Gene: DICER1 (dicer 1, ribonuclease III; minus strand). Cytogenetic location: 14q32.13.
Variant type: single nucleotide variant.
Coding change: c.4339C>T on transcript NM_177438.3 (MANE Select); coding-DNA position 4339, C replaced by T.
Protein change: p.Gln1447Ter; replaces glutamine 1447 with a stop codon.
Molecular consequence: nonsense. On other transcripts: non-coding transcript variant (6).
Genome position (GRCh38, 1-based): chr14:95,096,581, G>A on the plus strand (C>T on the coding strand, the complement: DICER1 is on the minus strand). VCF-style: chr14-95096581-G-A. GRCh37 (hg19) VCF-style: chr14-95562918-G-A.
Other names: c.4339C>T, p.Gln1447Ter (NM_001195573.1, NM_001271282.3, NM_001291628.2 and 13 more transcripts); c.4057C>T, p.Gln1353Ter (NM_001395686.1); c.3934C>T, p.Gln1312Ter (NM_001395687.1, NM_001395688.1, NM_001395689.1 and 2 more transcripts); c.3772C>T, p.Gln1258Ter (NM_001395691.1); c.2656C>T, p.Gln886Ter (NM_001395697.1); short protein forms Q1258*, Q886*, Q1353*, Q1447*, Q1312*.
Identifiers: ClinVar variation 2749965 (VCV002749965.3), dbSNP rs2542508752, ClinGen allele CA390869260.